The following is an entry in ClinVar:

ClinVar aggregate classification (germline): Benign. Review status: criteria provided, multiple submitters, no conflicts (2 of 4 stars). 4 submissions from 4 submitters: Benign (4). Last evaluated 2026-02-01.

Allele frequency attached by ClinVar (database versions not stated): gnomAD exomes 0.06762 and 0.06892; ExAC 0.07450; 1000 Genomes Project 0.10463; gnomAD 0.10608 and 0.11137; 1000 Genomes Project 30x 0.11040; TOPMed 0.11363; ESP Exome Variant Server 0.11569.

Submissions (4):

Labcorp Genetics (formerly Invitae), Labcorp
Classification: Benign. Last evaluated: 2026-02-01. Review status: criteria provided, single submitter. Criteria: Invitae Variant Classification Sherloc (09022015). Collection method: clinical testing. Allele origin: germline.

Mayo Clinic Laboratories, Mayo Clinic
Classification: Benign. Last evaluated: 2019-01-03. Review status: criteria provided, single submitter. Criteria: ACMG Guidelines, 2015. Collection method: clinical testing. Allele origin: germline. Observed: 6 variant alleles.

GeneDx
Classification: Benign. Last evaluated: 2015-12-21. Review status: criteria provided, single submitter. Criteria: GeneDx Variant Classification (06012015). Collection method: clinical testing. Allele origin: germline. Affected: yes.
Comment: This variant is considered likely benign or benign based on one or more of the following criteria: it is a conservative change, it occurs at a poorly conserved position in the protein, it is predicted to be benign by multiple in silico algorithms, and/or has population frequency not consistent with disease.

Breakthrough Genomics
Classification: Benign. Review status: criteria provided, single submitter. Criteria: ACMG Guidelines, 2015. Collection method: not provided. Allele origin: germline. Inheritance: Autosomal recessive inheritance. Affected: yes.

NM_152713.5(STT3A):c.52T>C (p.Leu18=)

Gene: STT3A (STT3 oligosaccharyltransferase complex catalytic subunit A; plus strand). Cytogenetic location: 11q24.2.
Variant type: single nucleotide variant.
Coding change: c.52T>C on transcript NM_152713.5 (MANE Select); coding-DNA position 52, T replaced by C.
Protein change: p.Leu18=; no amino-acid change (leucine 18 retained).
Molecular consequence: synonymous variant. On other transcripts: intron variant (1).
Genome position (GRCh38, 1-based): chr11:125,595,967, T>C. VCF-style: chr11-125595967-T-C. GRCh37 (hg19) VCF-style: chr11-125465862-T-C.
Other names: p.Leu18=; c.52T>C, p.Leu18= (NM_001278503.2); c.-188-1092T>C (NM_001278504.2).
Identifiers: ClinVar variation 380012 (VCV000380012.12), dbSNP rs10082632, ClinGen allele CA6348728.